The following is an entry in ClinVar:

NM_006302.3(MOGS):c.422del (p.Asp141fs)

Gene: MOGS (mannosyl-oligosaccharide glucosidase; minus strand). Cytogenetic location: 2p13.1.
Variant type: Deletion.
Coding change: c.422del on transcript NM_006302.3 (MANE Select); coding-DNA position 422, one base deleted (A; older notation c.422delA).
Protein change: p.Asp141fs; shifts the reading frame from aspartic acid 141.
Molecular consequence: frameshift variant.
Genome position (GRCh38, 1-based): chr2:74,464,653, T deleted on the plus strand (A on the coding strand, the reverse complement: MOGS is on the minus strand). VCF-style (leftmost placement, unchanged base first): chr2-74464652-GT-G. GRCh37 (hg19) VCF-style: chr2-74691779-GT-G.
Other names: c.104del, p.Asp35fs (NM_001146158.2); short protein forms D35fs, D141fs.
Identifiers: ClinVar variation 2161830 (VCV002161830.4), dbSNP rs1199925815, ClinGen allele CA534127533.

ClinVar aggregate classification (germline): Pathogenic (1 of 4 stars; one submission).

Conditions:
MOGS-congenital disorder of glycosylation. Also called: CDG IIb; MOGS-CDG; CDG 2B; GLUCOSIDASE I DEFICIENCY. Identifiers: Orphanet 79330, MedGen C1853736, MONDO:0011629, OMIM 606056.

Allele frequency attached by ClinVar (database versions not stated): TOPMed below 0.00001; gnomAD 0.00001.

Submission:

Labcorp Genetics (formerly Invitae), Labcorp
Classification: Pathogenic for MOGS-congenital disorder of glycosylation. Last evaluated: 2022-08-10. Review status: criteria provided, single submitter. Criteria: Invitae Variant Classification Sherloc (09022015). Collection method: clinical testing. Allele origin: germline.
Comment: This variant has not been reported in the literature in individuals affected with MOGS-related conditions. This sequence change creates a premature translational stop signal (p.Asp141Alafs*26) in the MOGS gene. It is expected to result in an absent or disrupted protein product. Loss-of-function variants in MOGS are known to be pathogenic (PMID: 24716661, 26805780). This variant is present in population databases (no rsID available, gnomAD 0.01%). Algorithms developed to predict the effect of sequence changes on RNA splicing suggest that this variant may disrupt the consensus splice site. For these reasons, this variant has been classified as Pathogenic.

Literature cited by the submitters: PubMed 24716661; PubMed 26805780.